The following is an entry in ClinVar:

ClinVar aggregate classification (germline): Uncertain significance (1 of 4 stars; one submission).

gnomAD v4.1: 15 of 1,545,292 alleles (0.00097%); highest among the groups gnomAD compares: Middle Eastern, 0.017%; no homozygotes.

Submission:

CeGaT Center for Human Genetics Tuebingen
Classification: Uncertain significance. Last evaluated: 2024-09-01. Review status: criteria provided, single submitter. Criteria: CeGaT Center For Human Genetics Tuebingen Variant Classification Criteria Version 2. Collection method: clinical testing. Allele origin: germline. Affected: yes. Observed: 1 variant allele.
Comment: PIEZO1: PM2, BP4

NM_001142864.4(PIEZO1):c.5537C>T (p.Ala1846Val)

Gene: PIEZO1 (piezo type mechanosensitive ion channel component 1 (Er blood group); minus strand). Cytogenetic location: 16q24.3.
Variant type: single nucleotide variant.
Coding change: c.5537C>T on transcript NM_001142864.4 (MANE Select); coding-DNA position 5537, C replaced by T.
Protein change: p.Ala1846Val; replaces alanine 1846 with valine.
Molecular consequence: missense variant.
Genome position (GRCh38, 1-based): chr16:88,721,297, G>A on the plus strand (C>T on the coding strand, the complement: PIEZO1 is on the minus strand). VCF-style: chr16-88721297-G-A. GRCh37 (hg19) VCF-style: chr16-88787705-G-A.
Other names: short protein forms A1846V.
Identifiers: ClinVar variation 3389163 (VCV003389163.14).